The following is an entry in ClinVar:

ClinVar aggregate classification (germline): Likely pathogenic (1 of 4 stars; one submission).

Submission:

GeneDx
Classification: Likely pathogenic. Last evaluated: 2017-07-19. Review status: criteria provided, single submitter. Criteria: GeneDx Variant Classification (06012015). Collection method: clinical testing. Allele origin: germline. Affected: yes.
Comment: The G185A variant has not been published as a pathogenic variant, nor has it been reported as a benign variant to our knowledge. The G185A variant is not observed in large population cohorts (Lek et al., 2016; 1000 Genomes Consortium et al., 2015; Exome Variant Server). The G185A variant is a conservative amino acid substitution, which is not likely to impact secondary protein structure as these residues share similar properties. This substitution occurs at a position that is conserved across species, and in silico analysis predicts this variant is probably damaging to the protein structure/function. Another missense variant in the same residue (G185S) has been reported in the Human Gene Mutation Database in association with very long-chain acyl-CoA dehydrogenase deficiency (Stenson et al., 2014), supporting the functional importance of this region of the protein. In summary, this variant is likely pathogenic; however, the possibility that it is benign cannot be excluded.

NM_000018.4(ACADVL):c.554G>C (p.Gly185Ala)

Gene: ACADVL (acyl-CoA dehydrogenase very long chain; plus strand). Cytogenetic location: 17p13.1.
Variant type: single nucleotide variant.
Coding change: c.554G>C on transcript NM_000018.4 (MANE Select); coding-DNA position 554, G replaced by C.
Protein change: p.Gly185Ala; replaces glycine 185 with alanine.
Molecular consequence: missense variant.
Genome position (GRCh38, 1-based): chr17:7,221,614, G>C. VCF-style: chr17-7221614-G-C. GRCh37 (hg19) VCF-style: chr17-7124933-G-C.
Other names: c.488G>C, p.Gly163Ala (NM_001033859.3); c.623G>C, p.Gly208Ala (NM_001270447.2); c.326G>C, p.Gly109Ala (NM_001270448.2); short protein forms G185A, G109A, G163A, G208A.
Identifiers: ClinVar variation 450792 (VCV000450792.2), dbSNP rs1555528181, ClinGen allele CA397723152.